The following is an entry in ClinVar:

ClinVar aggregate classification (germline): Uncertain significance (1 of 4 stars; one submission).

Submission:

Labcorp Genetics (formerly Invitae), Labcorp
Classification: Uncertain significance. Last evaluated: 2021-04-18. Review status: criteria provided, single submitter. Criteria: Invitae Variant Classification Sherloc (09022015). Collection method: clinical testing. Allele origin: germline.
Comment: Algorithms developed to predict the effect of missense changes on protein structure and function (SIFT, PolyPhen-2, Align-GVGD) all suggest that this variant is likely to be tolerated, but these predictions have not been confirmed by published functional studies and their clinical significance is uncertain. In summary, the available evidence is currently insufficient to determine the role of this variant in disease. Therefore, it has been classified as a Variant of Uncertain Significance. This variant has not been reported in the literature in individuals with HPS6-related conditions. This variant is not present in population databases (ExAC no frequency). This sequence change replaces proline with threonine at codon 541 of the HPS6 protein (p.Pro541Thr). The proline residue is highly conserved and there is a small physicochemical difference between proline and threonine.

NM_024747.6(HPS6):c.1621C>A (p.Pro541Thr)

Gene: HPS6 (HPS6 biogenesis of lysosomal organelles complex 2 subunit 3; plus strand). Cytogenetic location: 10q24.32.
Variant type: single nucleotide variant.
Coding change: c.1621C>A on transcript NM_024747.6 (MANE Select); coding-DNA position 1621, C replaced by A.
Protein change: p.Pro541Thr; replaces proline 541 with threonine.
Molecular consequence: missense variant.
Genome position (GRCh38, 1-based): chr10:102,067,095, C>A. VCF-style: chr10-102067095-C-A. GRCh37 (hg19) VCF-style: chr10-103826852-C-A.
Other names: short protein forms P541T.
Identifiers: ClinVar variation 1346532 (VCV001346532.8), dbSNP rs2067977239, ClinGen allele CA377869957.